The following is an entry in ClinVar:

ClinVar aggregate classification (germline): Uncertain significance (1 of 4 stars; one submission).

Conditions:
Cohen syndrome (COH1). Also called: Cutis verticis gyrata, retinitis pigmentosa, and sensorineural deafness; PEPPER SYNDROME. Identifiers: Orphanet 193, MedGen C0265223, MONDO:0008999, OMIM 216550.

Allele frequency attached by ClinVar (database versions not stated): gnomAD exomes below 0.00001.
gnomAD v4.1: 1 of 1,613,498 alleles (0.000062%); highest among the groups gnomAD compares: Admixed American, 0.0017%; no homozygotes.

Submission:

Labcorp Genetics (formerly Invitae), Labcorp
Classification: Uncertain significance for Cohen syndrome. Last evaluated: 2022-03-26. Review status: criteria provided, single submitter. Criteria: Invitae Variant Classification Sherloc (09022015). Collection method: clinical testing. Allele origin: germline.
Comment: In summary, the available evidence is currently insufficient to determine the role of this variant in disease. Therefore, it has been classified as a Variant of Uncertain Significance. Algorithms developed to predict the effect of missense changes on protein structure and function are either unavailable or do not agree on the potential impact of this missense change (SIFT: "Not Available"; PolyPhen-2: "Possibly Damaging"; Align-GVGD: "Not Available"). This variant has not been reported in the literature in individuals affected with VPS13B-related conditions. This variant is not present in population databases (gnomAD no frequency). This sequence change replaces serine, which is neutral and polar, with tyrosine, which is neutral and polar, at codon 2954 of the VPS13B protein (p.Ser2954Tyr).

NM_152564.5(VPS13B):c.8786C>A (p.Ser2929Tyr)

Gene: VPS13B (vacuolar protein sorting 13 homolog B; plus strand). Cytogenetic location: 8q22.2.
Variant type: single nucleotide variant.
Coding change: c.8786C>A on transcript NM_152564.5 (MANE Select); coding-DNA position 8786, C replaced by A.
Protein change: p.Ser2929Tyr; replaces serine 2929 with tyrosine.
Molecular consequence: missense variant.
Genome position (GRCh38, 1-based): chr8:99,819,576, C>A. VCF-style: chr8-99819576-C-A. GRCh37 (hg19) VCF-style: chr8-100831804-C-A.
Other names: c.8861C>A, p.Ser2954Tyr (NM_017890.5); short protein forms S2954Y, S2929Y.
Identifiers: ClinVar variation 2117000 (VCV002117000.4), dbSNP rs2492014271, ClinGen allele CA371776733.